The following is an entry in ClinVar:

ClinVar aggregate classification (germline): Likely benign (0 of 4 stars; one submission).

Conditions:
SCLT1-related disorder. Also called: SCLT1-related condition.

gnomAD v4.1: 1 of 1,592,222 alleles (0.000063%); highest among the groups gnomAD compares: Non-Finnish European, 0.000086%; no homozygotes.

Submission:

PreventionGenetics, part of Exact Sciences
Classification: Likely benign for SCLT1-related condition. Last evaluated: 2024-09-11. Review status: no assertion criteria provided. Collection method: clinical testing. Allele origin: germline.
Comment: This variant is classified as likely benign based on ACMG/AMP sequence variant interpretation guidelines (Richards et al. 2015 PMID: 25741868, with internal and published modifications).

NM_144643.4(SCLT1):c.1632+8C>T

Gene: SCLT1 (sodium channel and clathrin linker 1; minus strand). Cytogenetic location: 4q28.2.
Variant type: single nucleotide variant.
Coding change: c.1632+8C>T on transcript NM_144643.4 (MANE Select); 8 bases into the intron after coding-DNA position 1632, C replaced by T.
Molecular consequence: intron variant.
Genome position (GRCh38, 1-based): chr4:128,942,988, G>A on the plus strand (C>T on the coding strand, the complement: SCLT1 is on the minus strand). VCF-style: chr4-128942988-G-A. GRCh37 (hg19) VCF-style: chr4-129864143-G-A.
Other names: c.1439+3019C>T (NM_001410807.1).
Identifiers: ClinVar variation 3346786 (VCV003346786.1).
Genomic context (GRCh38, chr4:128,942,988, plus strand): 5'-GGTCTCTCTAAATATTCTCTATACTTTGATTTTCATAAGTACACATTTAACTCTAGTCTT[G>A]AAAATACCTTTACTTTGGCTTTTTTTTGAGCCTCCAGGGCAATCTTCCTTAAACTCTCAG-3'